The following is an entry in ClinVar:

NM_001538.3(HSF4):c.-944G>A

Genes: FBXL8 (F-box and leucine rich repeat protein 8; plus strand), HSF4 (heat shock transcription factor 4; plus strand). Cytogenetic location: 16q22.1.
Variant type: single nucleotide variant.
Coding change: c.-944G>A on transcript NM_001538.3; 944 bases upstream of the start codon, G replaced by A.
Molecular consequence: synonymous variant (on NM_018378.3).
Genome position (GRCh38, 1-based): chr16:67,163,406, G>A. VCF-style: chr16-67163406-G-A. GRCh37 (hg19) VCF-style: chr16-67197309-G-A.
Other names: c.711G>A, p.Leu237= (NM_018378.3).
Identifiers: ClinVar variation 320162 (VCV000320162.8), dbSNP rs61735433, ClinGen allele CA8101537.
Genomic context (GRCh38, chr16:67,163,406, plus strand): 5'-GCCTTTCGCGCTCTTGGCTCTGCGGTGCGCGTGCCCCGAAGATGCACGCGCGTCCCCGCT[G>A]CCCAACGAAGCCTGGGTCGCGTTGCGCCGCCGCCACCCTGGGCTGGCAGTGGAGCTGGAG-3'

ClinVar aggregate classification (germline): Benign. Review status: criteria provided, multiple submitters, no conflicts (2 of 4 stars). 2 submissions from 2 submitters: Benign (2). Last evaluated 2018-01-13.

Conditions:
Cataract 5 multiple types (CTRCT5). Also called: Lamellar cataract; CATARACT 5, LAMELLAR; CATARACT, MARNER TYPE. Identifiers: Orphanet 91492, MedGen C0266537, MONDO:0007290, OMIM 116800, HP:0007971.

Allele frequency attached by ClinVar (database versions not stated): ESP Exome Variant Server 0.03692; gnomAD 0.04853 and 0.04927; TOPMed 0.05160; 1000 Genomes Project 0.07208; gnomAD exomes 0.02417; ExAC 0.05803; 1000 Genomes Project 30x 0.07261.
gnomAD v4.1: 20,639 of 1,537,522 alleles (1.3%); highest among the groups gnomAD compares: African/African-American, 15%; 1,181 homozygotes.

Submissions (2):

Illumina Laboratory Services, Illumina
Classification: Benign for Cataract 5 multiple types. Last evaluated: 2018-01-13. Review status: criteria provided, single submitter. Criteria: ICSL Variant Classification Criteria 13 December 2019. Collection method: clinical testing. Allele origin: germline.
Comment: This variant was observed in the ICSL laboratory as part of a predisposition screen in an ostensibly healthy population. It had not been previously curated by ICSL or reported in the Human Gene Mutation Database (HGMD: prior to June 1st, 2018), and was therefore a candidate for classification through an automated scoring system. Utilizing variant allele frequency, disease prevalence and penetrance estimates, and inheritance mode, an automated score was calculated to assess if this variant is too frequent to cause the disease. Based on the score and internal cut-off values, a variant classified as benign is not then subjected to further curation. The score for this variant resulted in a classification of benign for this disease.

Breakthrough Genomics
Classification: Benign. Review status: criteria provided, single submitter. Criteria: ACMG Guidelines, 2015. Collection method: not provided. Allele origin: germline. Inheritance: Unknown mechanism. Affected: yes.